The following is an entry in ClinVar:

NM_021219.4(JAM2):c.732A>G (p.Val244=)

Gene: JAM2 (junctional adhesion molecule 2; plus strand). Cytogenetic location: 21q21.3.
Variant type: single nucleotide variant.
Coding change: c.732A>G on transcript NM_021219.4 (MANE Select); coding-DNA position 732, A replaced by G.
Protein change: p.Val244=; no amino-acid change (valine 244 retained).
Molecular consequence: synonymous variant. On other transcripts: non-coding transcript variant (1).
Genome position (GRCh38, 1-based): chr21:25,706,013, A>G. VCF-style: chr21-25706013-A-G. GRCh37 (hg19) VCF-style: chr21-27078325-A-G.
Other names: NC_000021.8:g.27078325A>G; c.624A>G, p.Val208= (NM_001270407.2); c.732A>G, p.Val244= (NM_001270408.2).
Identifiers: ClinVar variation 4453401 (VCV004453401.5).

ClinVar aggregate classification (germline): Benign (1 of 4 stars; one submission).

gnomAD v4.1: 1,231 of 1,613,796 alleles (0.076%); highest among the groups gnomAD compares: South Asian, 1.3%; 19 homozygotes.

Submissions (2):

CeGaT Center for Human Genetics Tuebingen
Classification: Benign. Last evaluated: 2026-02-01. Review status: criteria provided, single submitter. Criteria: CeGaT Center For Human Genetics Tuebingen Variant Classification Criteria Version 2. Collection method: clinical testing. Allele origin: germline. Affected: yes. Observed: 1 variant allele.
Comment: JAM2: BP4, BP7, BS1, BS2

Dr. Peter K. Rogan Lab, Western University
No classification provided (evidence only). Condition: Familial cancer of breast. Review status: no classification provided. Collection method: in vitro. Allele origin: not applicable. Functional consequence: retained intron. Not counted in ClinVar's aggregate classification.